The following is an entry in ClinVar:

NM_181836.6(TMED7):c.436C>A (p.Gln146Lys)

Genes: TMED7 (transmembrane p24 trafficking protein 7; minus strand), TMED7-TICAM2 (TMED7-TICAM2 readthrough; minus strand). Cytogenetic location: 5q22.3.
Variant type: single nucleotide variant.
Coding change: c.436C>A on transcript NM_181836.6 (MANE Select); coding-DNA position 436, C replaced by A.
Protein change: p.Gln146Lys; replaces glutamine 146 with lysine.
Molecular consequence: missense variant.
Genome position (GRCh38, 1-based): chr5:115,620,437, G>T on the plus strand (C>A on the coding strand, the complement: TMED7 is on the minus strand). VCF-style: chr5-115620437-G-T. GRCh37 (hg19) VCF-style: chr5-114956134-G-T.
Other names: c.436C>A, p.Gln146Lys (NM_001164468.4, NM_001164469.4); short protein forms Q146K.
Identifiers: ClinVar variation 1999773 (VCV001999773.4), dbSNP rs1756988421, ClinGen allele CA360713518.

ClinVar aggregate classification (germline): Uncertain significance (1 of 4 stars; one submission).

Allele frequency attached by ClinVar (database versions not stated): TOPMed below 0.00001; gnomAD 0.00001.

Submission:

Labcorp Genetics (formerly Invitae), Labcorp
Classification: Uncertain significance. Last evaluated: 2025-08-06. Review status: criteria provided, single submitter. Criteria: Invitae Variant Classification Sherloc (09022015). Collection method: clinical testing. Allele origin: germline.
Comment: This sequence change replaces glutamine, which is neutral and polar, with lysine, which is basic and polar, at codon 146 of the TMED7 protein (p.Gln146Lys). This variant is not present in population databases (gnomAD no frequency). This variant has not been reported in the literature in individuals affected with TMED7-related conditions. ClinVar contains an entry for this variant (Variation ID: 1999773). An algorithm developed to predict the effect of missense changes on protein structure and function (PolyPhen-2) suggests that this variant is likely to be disruptive. In summary, the available evidence is currently insufficient to determine the role of this variant in disease. Therefore, it has been classified as a Variant of Uncertain Significance.